The following is an entry in ClinVar:

ClinVar aggregate classification (germline): Uncertain significance (1 of 4 stars; one submission).

Conditions:
Familial thoracic aortic aneurysm and aortic dissection (TAAD). Also called: Thoracic aortic aneurysms and dissections. Identifiers: Orphanet 91387, MedGen C4707243, MONDO:0019625.

gnomAD v4.1: 1 of 1,614,164 alleles (0.000062%); highest among the groups gnomAD compares: Non-Finnish European, 0.000085%; no homozygotes.

Submission:

Color Diagnostics, LLC DBA Color Health
Classification: Uncertain significance for Familial thoracic aortic aneurysm and aortic dissection. Last evaluated: 2024-03-06. Review status: criteria provided, single submitter. Criteria: ACMG Guidelines, 2015. Collection method: clinical testing. Allele origin: germline.
Comment: This missense variant replaces threonine with asparagine at codon 1089 of the FBN1 protein. Computational prediction tool is inconclusive regarding the impact of this variant on protein structure and function (internally defined REVEL score threshold 0.5 < inconclusive < 0.7, PMID: 27666373). Splice site prediction tools suggest that this variant may not impact RNA splicing. To our knowledge, functional studies have not been performed for this variant. This variant has not been reported in individuals affected with cardiovascular disorders in the literature. This variant has not been identified in the general population by the Genome Aggregation Database (gnomAD). The available evidence is insufficient to determine the role of this variant in disease conclusively. Therefore, this variant is classified as a Variant of Uncertain Significance.

NM_000138.5(FBN1):c.3266C>A (p.Thr1089Asn)

Gene: FBN1 (fibrillin 1; minus strand). Cytogenetic location: 15q21.1.
Variant type: single nucleotide variant.
Coding change: c.3266C>A on transcript NM_000138.5 (MANE Select); coding-DNA position 3266, C replaced by A.
Protein change: p.Thr1089Asn; replaces threonine 1089 with asparagine.
Molecular consequence: missense variant.
Genome position (GRCh38, 1-based): chr15:48,488,184, G>T on the plus strand (C>A on the coding strand, the complement: FBN1 is on the minus strand). VCF-style: chr15-48488184-G-T. GRCh37 (hg19) VCF-style: chr15-48780381-G-T.
Other names: short protein forms T1089N.
Identifiers: ClinVar variation 919241 (VCV000919241.4), dbSNP rs2043525347, ClinGen allele CA392327382.